The following is an entry in ClinVar:

ClinVar aggregate classification (germline): Uncertain significance (1 of 4 stars; one submission).

Conditions:
Developmental and epileptic encephalopathy, 81. Also called: EPILEPTIC ENCEPHALOPATHY, EARLY INFANTILE, 81. Identifiers: MedGen C5231450, MONDO:0032858, OMIM 618663.

Submission:

Neuberg Centre For Genomic Medicine, NCGM
Classification: Uncertain significance for Developmental and epileptic encephalopathy, 81. Review status: criteria provided, single submitter. Criteria: ACMG Guidelines, 2015. Collection method: clinical testing. Allele origin: germline. Affected: yes.
Comment: The missense variant p.N841S in DMXL2 (NM_001174116.1) has not been reported previously as a pathogenic variant nor as a benign variant, to our knowledge. The p.N841S variant is novel (not in any individuals) in gnomAD Exomes and is novel (not in any individuals) in 1000 Genomes. There is a small physicochemical difference between asparagine and serine, which is not likely to impact secondary protein structure as these residues share similar properties. Bio-informaticpredictions are conflicting (SIFT-Damaging, Polyphen-2-Tolerated) and the reference codon is conserved across species. For these reasons, this variant has been classified as Uncertain Significance.

NM_001378457.1(DMXL2):c.2522A>G (p.Asn841Ser)

Gene: DMXL2 (Dmx like 2; minus strand). Cytogenetic location: 15q21.2.
Variant type: single nucleotide variant.
Coding change: c.2522A>G on transcript NM_001378457.1 (MANE Select); coding-DNA position 2522, A replaced by G.
Protein change: p.Asn841Ser; replaces asparagine 841 with serine.
Molecular consequence: missense variant. On other transcripts: non-coding transcript variant (2).
Genome position (GRCh38, 1-based): chr15:51,517,082, T>C on the plus strand (A>G on the coding strand, the complement: DMXL2 is on the minus strand). VCF-style: chr15-51517082-T-C. GRCh37 (hg19) VCF-style: chr15-51809279-T-C.
Other names: c.2522A>G, p.Asn841Ser (NM_001174116.3, NM_001174117.3, NM_001378458.1 and 6 more transcripts); c.2282A>G, p.Asn761Ser (NM_001378464.1); short protein forms N761S, N841S.
Identifiers: ClinVar variation 2429473 (VCV002429473.1), dbSNP rs2548553923, ClinGen allele CA392440670.
Genomic context (GRCh38, chr15:51,517,082, plus strand): 5'-TAAAACACCATGGGATAAAGTATACGAATATCACCAATTCACAAGCATGTTTTTACTTGG[T>C]TGGTTATTGCGTCGAGTTCAATAATGCAGCCAGGTCGAGCAGTAGACTGTTGGCTCACAA-3'
Protein context (NP_001365386.1, residues 831-851): GCIIELDAIT[Asn841Ser]QCGSNTQLLH